The following is an entry in ClinVar:

ClinVar aggregate classification (germline): Uncertain significance (1 of 4 stars; one submission).

Allele frequency attached by ClinVar (database versions not stated): gnomAD 0.00001; gnomAD exomes 0.00002; TOPMed 0.00003; ExAC 0.00004.
gnomAD v4.1: 15 of 1,612,328 alleles (0.00093%); highest among the groups gnomAD compares: Admixed American, 0.022%; no homozygotes.

Submission:

GeneDx
Classification: Uncertain significance. Last evaluated: 2022-03-21. Review status: criteria provided, single submitter. Criteria: GeneDx Variant Classification Process June 2021. Collection method: clinical testing. Allele origin: germline. Affected: yes.
Comment: Has not been previously published as pathogenic or benign to our knowledge; In silico analysis supports that this missense variant has a deleterious effect on protein structure/function; Variants in candidate genes are classified as variants of uncertain significance in accordance with ACMG guidelines (Richards et al., 2015)

NM_144666.3(DNHD1):c.12832G>A (p.Gly4278Arg)

Gene: DNHD1 (dynein heavy chain domain 1; plus strand). Cytogenetic location: 11p15.4.
Variant type: single nucleotide variant.
Coding change: c.12832G>A on transcript NM_144666.3 (MANE Select); coding-DNA position 12832, G replaced by A.
Protein change: p.Gly4278Arg; replaces glycine 4278 with arginine.
Molecular consequence: missense variant.
Genome position (GRCh38, 1-based): chr11:6,568,835, G>A. VCF-style: chr11-6568835-G-A. GRCh37 (hg19) VCF-style: chr11-6590065-G-A.
Other names: short protein forms G4278R.
Identifiers: ClinVar variation 3253413 (VCV003253413.1), dbSNP rs761613458.
Genomic context (GRCh38, chr11:6,568,835, plus strand): 5'-CCCACCCAGGCACTACCTCTGCTCCTCCTCCATGGCCTCCTGCTACACCGGCAGCTCTAT[G>A]GAACAAGGCTGCAGGCACACAGGGGGCGCTGGTGAGGGACCCCCACCCATTCCTGCTCAG-3'
Protein context (NP_653267.2, residues 4268-4288): HGLLLHRQLY[Gly4278Arg]TRLQAHRGRW